The following is an entry in ClinVar:

NM_000398.7(CYB5R3):c.226G>A (p.Gly76Ser)

Gene: CYB5R3 (cytochrome b5 reductase 3; minus strand). Cytogenetic location: 22q13.2.
Variant type: single nucleotide variant.
Coding change: c.226G>A on transcript NM_000398.7 (MANE Select); coding-DNA position 226, G replaced by A.
Protein change: p.Gly76Ser; replaces glycine 76 with serine.
Molecular consequence: missense variant.
Genome position (GRCh38, 1-based): chr22:42,631,378, C>T on the plus strand (G>A on the coding strand, the complement: CYB5R3 is on the minus strand). VCF-style: chr22-42631378-C-T. GRCh37 (hg19) VCF-style: chr22-43027384-C-T.
Other names: c.157G>A, p.Gly53Ser (NM_001129819.2, NM_001171661.1, NM_007326.4); c.325G>A, p.Gly109Ser (NM_001171660.2); short protein forms G109S, G76S, G53S.
Identifiers: ClinVar variation 4531856 (VCV004531856.1), dbSNP rs1223829978.
Genomic context (GRCh38, chr22:42,631,378, plus strand): 5'-TGATCTAGTGCCCCAGCAGCCTGCCGGGCTCCGAATGGGCCCAGCAGGGGCGTGACTCAC[C>T]GACAGGGAGGCCCAGGATGTGCTGGGGTGACGGCAGGGCAAAGCGGAAGCGCCGGGTGTC-3'
Protein context (NP_000389.1, residues 66-86): SPQHILGLPV[Gly76Ser]QHIYLSARID

ClinVar aggregate classification (germline): Pathogenic (1 of 4 stars; one submission).

Conditions:
Deficiency of cytochrome-b5 reductase. Also called: METHEMOGLOBINEMIA, CONGENITAL, AUTOSOMAL RECESSIVE; NADH-DEPENDENT METHEMOGLOBIN REDUCTASE DEFICIENCY. Identifiers: Orphanet 621, MedGen C0268193, MONDO:0009606, OMIM 250800.

Submission:

Victorian Clinical Genetics Services, Murdoch Childrens Research Institute
Classification: Pathogenic for Deficiency of cytochrome-b5 reductase. Last evaluated: 2025-04-28. Review status: criteria provided, single submitter. Criteria: ACMG Guidelines, 2015. Collection method: clinical testing. Allele origin: germline. Affected: yes.
Comment: This variant is classified as Pathogenic. Evidence in support of pathogenic classification: Variant is present in gnomAD <0.01 for a recessive condition (v4: 44 heterozygote(s), 0 homozygote(s)); This variant has strong previous evidence of pathogenicity in unrelated individuals. This variant has been reported in the literature in a homozygous or compound heterozygous state in individuals with methemoglobinemia (PMIDs: 16310381, 31898843, 24266649, 18202104); This variant has moderate functional evidence supporting abnormal protein function. E. coli cells expressing a rat homolog of this variant shows that it reduces the catalytic efficiency to 11% of wildtype levels, and significantly affects protein stability (PMID: 16310381); Missense variant predicted to be damaging by in silico tool(s) or highly conserved with a major amino acid change. Additional information: Variant is predicted to result in a missense amino acid change from glycine to serine; This variant is heterozygous; This gene is associated with autosomal recessive disease; No comparable missense variants have previous evidence for pathogenicity; Variant is located in the annotated oxidoreductase FAD-binding domain (DECIPHER); Loss of function is a known mechanism of disease in this gene and is associated with methemoglobinemia due to deficiency of methemoglobin reductase (MONDO:0009606), CYB5R3-related; Heterozygous variant detected in trans with a second PATHOGENIC heterozygous variant (NM_000398.7(CYB5R3):c.173G>C; p.(Arg58Pro)) in a recessive disease.

Literature cited by the submitters: PubMed 24266649; PubMed 16310381; PubMed 18202104; PubMed 31898843.